The following is an entry in ClinVar:

NM_001024630.4(RUNX2):c.386A>G (p.His129Arg)

Gene: RUNX2 (RUNX family transcription factor 2; plus strand). Cytogenetic location: 6p21.1.
Variant type: single nucleotide variant.
Coding change: c.386A>G on transcript NM_001024630.4 (MANE Select); coding-DNA position 386, A replaced by G.
Protein change: p.His129Arg; replaces histidine 129 with arginine.
Molecular consequence: missense variant.
Genome position (GRCh38, 1-based): chr6:45,422,920, A>G. VCF-style: chr6-45422920-A-G. GRCh37 (hg19) VCF-style: chr6-45390657-A-G.
Other names: c.386A>G, p.His129Arg (NM_001015051.4); c.344A>G, p.His115Arg (NM_001278478.2, NM_001369405.1); short protein forms H129R, H115R.
Identifiers: ClinVar variation 3720693 (VCV003720693.2).

ClinVar aggregate classification (germline): Likely pathogenic (1 of 4 stars; one submission).

Submission:

Labcorp Genetics (formerly Invitae), Labcorp
Classification: Likely pathogenic. Last evaluated: 2025-03-10. Review status: criteria provided, single submitter. Criteria: Invitae Variant Classification Sherloc (09022015). Collection method: clinical testing. Allele origin: germline.
Comment: This sequence change replaces histidine, which is basic and polar, with arginine, which is basic and polar, at codon 129 of the RUNX2 protein (p.His129Arg). This variant is not present in population databases (gnomAD no frequency). This missense change has been observed in individuals with cleidocranial dysplasia (PMID: 16140555; internal data). It has also been observed to segregate with disease in related individuals. Invitae Evidence Modeling of protein sequence and biophysical properties (such as structural, functional, and spatial information, amino acid conservation, physicochemical variation, residue mobility, and thermodynamic stability) indicates that this missense variant is expected to disrupt RUNX2 protein function with a positive predictive value of 80%. In summary, the currently available evidence indicates that the variant is pathogenic, but additional data are needed to prove that conclusively. Therefore, this variant has been classified as Likely Pathogenic.

Literature cited by the submitters: PubMed 16140555.